The following is an entry in ClinVar:

ClinVar aggregate classification (germline): Uncertain significance. Review status: criteria provided, multiple submitters, no conflicts (2 of 4 stars). 3 submissions from 3 submitters: Uncertain significance (3). Last evaluated 2025-12-24.

gnomAD v4.1: 198 of 1,614,162 alleles (0.012%); highest among the groups gnomAD compares: South Asian, 0.15%; 1 homozygote.

Submissions (3):

Women's Health and Genetics/Laboratory Corporation of America, LabCorp
Classification: Uncertain significance. Last evaluated: 2025-12-24. Review status: criteria provided, single submitter. Criteria: LabCorp Variant Classification Summary - May 2015. Collection method: clinical testing. Allele origin: germline.
Comment: Variant summary: VWF c.7519C>T (p.Arg2507Trp) results in a non-conservative amino acid change in the encoded protein sequence. Algorithms developed to predict the effect of missense changes on protein structure and function are either unavailable or do not agree on the potential impact of this missense change. The variant allele was found at a frequency of 0.00024 in 251216 control chromosomes. This frequency is not significantly higher than estimated for disease-causing variants in VWF, allowing no conclusion about variant significance. To our knowledge, no occurrence of c.7519C>T in individuals affected with VWF-related conditions and no experimental evidence demonstrating its impact on protein function have been reported. ClinVar contains an entry for this variant (Variation ID: 3380064). Based on the evidence outlined above, the variant was classified as uncertain significance.

GeneDx
Classification: Uncertain significance. Last evaluated: 2025-06-01. Review status: criteria provided, single submitter. Criteria: GeneDx Variant Classification Process June 2021. Collection method: clinical testing. Allele origin: germline. Affected: yes.
Comment: In silico analysis supports that this missense variant has a deleterious effect on protein structure/function; Has not been previously published as pathogenic or benign to our knowledge

Mayo Clinic Laboratories, Mayo Clinic
Classification: Uncertain significance. Last evaluated: 2024-07-11. Review status: criteria provided, single submitter. Criteria: ACMG Guidelines, 2015. Collection method: clinical testing. Allele origin: germline. Observed: 1 variant allele.
Comment: BP4

NM_000552.5(VWF):c.7519C>T (p.Arg2507Trp)

Gene: VWF (von Willebrand factor; minus strand). Cytogenetic location: 12p13.31.
Variant type: single nucleotide variant.
Coding change: c.7519C>T on transcript NM_000552.5 (MANE Select); coding-DNA position 7519, C replaced by T.
Protein change: p.Arg2507Trp; replaces arginine 2507 with tryptophan.
Molecular consequence: missense variant.
Genome position (GRCh38, 1-based): chr12:5,971,628, G>A on the plus strand (C>T on the coding strand, the complement: VWF is on the minus strand). VCF-style: chr12-5971628-G-A. GRCh37 (hg19) VCF-style: chr12-6080794-G-A.
Other names: p.Arg2507Trp; c.7519C>T (NM_000552.3); short protein forms R2507W.
Identifiers: ClinVar variation 3380064 (VCV003380064.3).
Genomic context (GRCh38, chr12:5,971,628, plus strand): 5'-CCTCCTCCCCGTCCCGGGGGCCTGGACCTACACTCTTCCAGGAAGACTGGGAGTCCCCCC[G>A]CGGTGAGCCAGTCACCACCTCACAGGCAGATGGCAGGCACCTTCCACAGCACTCGCCTTC-3'
Protein context (NP_000543.3, residues 2497-2517): SACEVVTGSP[Arg2507Trp]GDSQSSWKSV